The following is an entry in ClinVar:

ClinVar aggregate classification (germline): Uncertain significance (1 of 4 stars; one submission).

Conditions:
Cenani-Lenz syndactyly syndrome. Also called: CENANI SYNDACTYLISM; SYNDACTYLY, TYPE VII. Identifiers: Orphanet 3258, MedGen C1859309, MONDO:0008931, OMIM 212780.
Sclerosteosis 2 (SOST2). Identifiers: Orphanet 3152, MedGen C3280402, MONDO:0013679, OMIM 614305.
Congenital myasthenic syndrome 17. Identifiers: Orphanet 590, MedGen C4225377, MONDO:0014578, OMIM 616304.

Allele frequency attached by ClinVar (database versions not stated): gnomAD exomes 0.00001; gnomAD 0.00007; TOPMed 0.00005; ESP Exome Variant Server 0.00008.
gnomAD v4.1: 15 of 1,614,080 alleles (0.00093%); highest among the groups gnomAD compares: African/African-American, 0.02%; no homozygotes.

Submission:

Labcorp Genetics (formerly Invitae), Labcorp
Classification: Uncertain significance for Cenani-Lenz syndactyly syndrome; Sclerosteosis 2; Congenital myasthenic syndrome 17. Last evaluated: 2025-02-17. Review status: criteria provided, single submitter. Criteria: Invitae Variant Classification Sherloc (09022015). Collection method: clinical testing. Allele origin: germline.
Comment: This sequence change replaces serine, which is neutral and polar, with threonine, which is neutral and polar, at codon 848 of the LRP4 protein (p.Ser848Thr). This variant is present in population databases (rs376413893, gnomAD 0.02%). This variant has not been reported in the literature in individuals affected with LRP4-related conditions. ClinVar contains an entry for this variant (Variation ID: 2078152). An algorithm developed to predict the effect of missense changes on protein structure and function outputs the following: PolyPhen-2: "Benign". The threonine amino acid residue is found in multiple mammalian species, which suggests that this missense change does not adversely affect protein function. In summary, the available evidence is currently insufficient to determine the role of this variant in disease. Therefore, it has been classified as a Variant of Uncertain Significance.

NM_002334.4(LRP4):c.2543G>C (p.Ser848Thr)

Gene: LRP4 (LDL receptor related protein 4; minus strand). Cytogenetic location: 11p11.2.
Variant type: single nucleotide variant.
Coding change: c.2543G>C on transcript NM_002334.4 (MANE Select); coding-DNA position 2543, G replaced by C.
Protein change: p.Ser848Thr; replaces serine 848 with threonine.
Molecular consequence: missense variant.
Genome position (GRCh38, 1-based): chr11:46,883,940, C>G on the plus strand (G>C on the coding strand, the complement: LRP4 is on the minus strand). VCF-style: chr11-46883940-C-G. GRCh37 (hg19) VCF-style: chr11-46905491-C-G.
Other names: short protein forms S848T.
Identifiers: ClinVar variation 2078152 (VCV002078152.2), dbSNP rs376413893, ClinGen allele CA221637301.